The following is an entry in ClinVar:

ClinVar aggregate classification (germline): Uncertain significance. Review status: criteria provided, multiple submitters, no conflicts (2 of 4 stars). 3 submissions from 3 submitters: Uncertain significance (3). Last evaluated 2024-03-06.

Conditions:
Hereditary cancer-predisposing syndrome. Also called: Neoplastic Syndromes, Hereditary; Hereditary Cancer Syndrome; Tumor predisposition; Hereditary neoplastic syndrome. Identifiers: Orphanet 140162, MedGen C0027672, MeSH D009386, MONDO:0015356.
BAP1-related tumor predisposition syndrome (TPDS1). Also called: COMMON Syndrome; TUMOR PREDISPOSITION SYNDROME 1; Tumor susceptibility linked to germline BAP1 mutations; BAP1 tumor predisposition syndrome. Identifiers: Orphanet 289539, MedGen C3280492, MONDO:0013692, OMIM 614327.

Allele frequency attached by ClinVar (database versions not stated): gnomAD exomes below 0.00001.

Submissions (3):

Color Diagnostics, LLC DBA Color Health
Classification: Uncertain significance for Hereditary cancer-predisposing syndrome. Last evaluated: 2024-03-06. Review status: criteria provided, single submitter. Criteria: ACMG Guidelines, 2015. Collection method: clinical testing. Allele origin: germline.
Comment: This missense variant replaces isoleucine with valine at codon 461 of the BAP1 protein. Computational prediction suggests that this variant may not impact protein structure and function (internally defined REVEL score threshold <= 0.5, PMID: 27666373). Splice site prediction tools suggest that this variant may not impact RNA splicing. To our knowledge, functional studies have not been performed for this variant. This variant has not been reported in individuals affected with hereditary cancer in the literature. This variant has not been identified in the general population by the Genome Aggregation Database (gnomAD). The available evidence is insufficient to determine the role of this variant in disease conclusively. Therefore, this variant is classified as a Variant of Uncertain Significance.

Ambry Genetics
Classification: Uncertain significance for Hereditary cancer-predisposing syndrome. Last evaluated: 2023-09-25. Review status: criteria provided, single submitter. Criteria: Ambry Variant Classification Scheme 2023. Collection method: clinical testing. Allele origin: germline.
Comment: The p.I461V variant (also known as c.1381A>G), located in coding exon 13 of the BAP1 gene, results from an A to G substitution at nucleotide position 1381. The isoleucine at codon 461 is replaced by valine, an amino acid with highly similar properties. This amino acid position is conserved. In addition, this alteration is predicted to be tolerated by in silico analysis. Since supporting evidence is limited at this time, the clinical significance of this alteration remains unclear.

Labcorp Genetics (formerly Invitae), Labcorp
Classification: Uncertain significance for BAP1-related tumor predisposition syndrome. Last evaluated: 2023-01-14. Review status: criteria provided, single submitter. Criteria: Invitae Variant Classification Sherloc (09022015). Collection method: clinical testing. Allele origin: germline.
Comment: In summary, the available evidence is currently insufficient to determine the role of this variant in disease. Therefore, it has been classified as a Variant of Uncertain Significance. Advanced modeling of protein sequence and biophysical properties (such as structural, functional, and spatial information, amino acid conservation, physicochemical variation, residue mobility, and thermodynamic stability) performed at Invitae indicates that this missense variant is not expected to disrupt BAP1 protein function. ClinVar contains an entry for this variant (Variation ID: 927957). This variant has not been reported in the literature in individuals affected with BAP1-related conditions. This variant is not present in population databases (gnomAD no frequency). This sequence change replaces isoleucine, which is neutral and non-polar, with valine, which is neutral and non-polar, at codon 461 of the BAP1 protein (p.Ile461Val).

NM_004656.4(BAP1):c.1381A>G (p.Ile461Val)

Gene: BAP1 (BRCA1 associated deubiquitinase 1; minus strand). Cytogenetic location: 3p21.1.
Variant type: single nucleotide variant.
Coding change: c.1381A>G on transcript NM_004656.4 (MANE Select); coding-DNA position 1381, A replaced by G.
Protein change: p.Ile461Val; replaces isoleucine 461 with valine.
Molecular consequence: missense variant.
Genome position (GRCh38, 1-based): chr3:52,403,764, T>C on the plus strand (A>G on the coding strand, the complement: BAP1 is on the minus strand). VCF-style: chr3-52403764-T-C. GRCh37 (hg19) VCF-style: chr3-52437780-T-C.
Other names: c.1381A>G (NM_004656.2); short protein forms I461V.
Identifiers: ClinVar variation 927957 (VCV000927957.11), dbSNP rs1705054982, ClinGen allele CA353101683.
Genomic context (GRCh38, chr3:52,403,764, plus strand): 5'-GTGTGGGCACTGCCACAGCCGGACTCCCAGCCCCGCTGCTAGTCTTGATGGACAGAGGAA[T>C]TGAGAGGTCCTTCTGGGACTCTTTGAGCTTCTCAGCCAAGACGTTGATGGTGTTGGGCTG-3'
Protein context (NP_004647.1, residues 451-471): KLKESQKDLS[Ile461Val]PLSIKTSSGA